The following continues an entry in ClinVar:

NM_020975.6(RET):c.1901G>A (p.Cys634Tyr)

Gene: RET. ClinVar aggregate classification (germline): Pathogenic/Likely pathogenic. Pathogenic (22); Likely pathogenic (1).

Submissions 21 to 30 of 30:

Women's Health and Genetics/Laboratory Corporation of America, LabCorp
Classification: Pathogenic for Multiple endocrine neoplasia, type 2a. Last evaluated: 2019-07-18. Review status: criteria provided, single submitter. Criteria: LabCorp Variant Classification Summary - May 2015. Collection method: clinical testing. Allele origin: germline.
Comment: Variant summary: RET c.1901G>A (p.Cys634Tyr) results in a non-conservative amino acid change located in the extracellular domain of the encoded protein sequence. Five of five in-silico tools predict a damaging effect of the variant on protein function. The variant allele was found at a frequency of 4e-06 in 247574 control chromosomes. c.1901G>A has been well reported in the literature in multiple individuals affected with Multiple Endocrine Neoplasia Type 2A (example Chiefari_1998, Frank-Raue_2006). These data indicate that the variant is strongly associated with disease. At least one publication reports experimental evidence evaluating an impact on protein function demonstrating a gain of function mechanism due to activation of the RET proto-oncogene (example Santoro_1995). One clinical diagnostic laboratory has submitted clinical-significance assessments for this variant to ClinVar after 2014 without evidence for independent evaluation and classified the variant as pathogenic. Based on the evidence outlined above, the variant was classified as pathogenic.

Center for Human Genetics, Inc
Classification: Pathogenic for Multiple endocrine neoplasia type 2A. Last evaluated: 2016-11-01. Review status: criteria provided, single submitter. Criteria: ACMG Guidelines, 2015. Collection method: clinical testing. Allele origin: germline. Affected: yes.

Suma Genomics
Classification: Pathogenic for Multiple endocrine neoplasia type 2B. Review status: criteria provided, single submitter. Criteria: ACMG Guidelines, 2015. Collection method: clinical testing. Allele origin: unknown. Inheritance: Autosomal dominant inheritance. Affected: yes.

PreventionGenetics, part of Exact Sciences
Classification: Pathogenic for RET-related condition. Last evaluated: 2024-06-24. Review status: no assertion criteria provided. Collection method: clinical testing. Allele origin: germline. Not counted in ClinVar's aggregate classification.
Comment: The RET c.1901G>A variant is predicted to result in the amino acid substitution p.Cys634Tyr. This variant has been reported in multiple individuals with MEN2A, medullary thyroid cancer, and pheochromocytoma (Mulligan et al. 1993. PubMed ID: 8099202; Sanchez et al. 1999. PubMed ID: 9950371; Toledo et al. 2010. PubMed ID: 20080836). Functional studies have shown this variant and other amino acid changes at this position result in increased auto-phosphorylation and activation of downstream targets which enhances malignant transformation of cells (Santoro M et al. 1995. PubMed ID: 7824936; Cosci B et al. 2011. PubMed ID: 21810974). This variant is present in one individual in the gnomAD database. This variant is classified as pathogenic in ClinVar with multiple submitters in agreement. We interpret this variant to be pathogenic.

Department of Pharmacy, The First Affiliated Hospital of Zhengzhou University
Classification: Pathogenic for Pheochromocytoma. Last evaluated: 2021-10-06. Review status: no assertion criteria provided. Collection method: clinical testing. Allele origin: maternal. Affected: no. Observed: 3 variant alleles. Not counted in ClinVar's aggregate classification.

Counsyl
Classification: Pathogenic for Multiple endocrine neoplasia type 2A. Last evaluated: 2017-08-30. Review status: no assertion criteria provided. Collection method: clinical testing. Allele origin: unknown. Not counted in ClinVar's aggregate classification.

OMIM
Classification: Pathogenic for MULTIPLE ENDOCRINE NEOPLASIA, TYPE IIA. Last evaluated: 2002-05-09. Review status: no assertion criteria provided. Collection method: literature only. Allele origin: germline. Not counted in ClinVar's aggregate classification.

OMIM
Classification: Pathogenic for PHEOCHROMOCYTOMA. Last evaluated: 2002-05-09. Review status: no assertion criteria provided. Collection method: literature only. Allele origin: germline. Not counted in ClinVar's aggregate classification.

Genome Diagnostics Laboratory, University Medical Center Utrecht
Classification: Pathogenic. Review status: no assertion criteria provided. Collection method: clinical testing. Allele origin: germline. Affected: yes. Study: VKGL Data-share Consensus. Not counted in ClinVar's aggregate classification.

Joint Genome Diagnostic Labs from Nijmegen and Maastricht, Radboudumc and MUMC+
Classification: Pathogenic. Review status: no assertion criteria provided. Collection method: clinical testing. Allele origin: germline. Affected: yes. Study: VKGL Data-share Consensus. Not counted in ClinVar's aggregate classification.

Literature cited by the submitters: PubMed 2008030 (cited by Labcorp Genetics (formerly Invitae), Labcorp); PubMed 8099202 (cited by 4 submitters); PubMed 12000816 (cited by 6 submitters); PubMed 23723040 (cited by Labcorp Genetics (formerly Invitae), Labcorp and Institute for Genomic Medicine (IGM) Clinical Laboratory, Nationwide Children's Hospital); PubMed 7824936 (cited by 8 submitters); PubMed 21765987 (cited by 5 submitters); PubMed 12686527 (cited by Ambry Genetics); PubMed 18063059 (cited by 4 submitters); PubMed 19469690 (cited by Ambry Genetics); PubMed 28469506 (cited by 4 submitters); PubMed 7881414 (cited by Ambry Genetics); PubMed 9067749 (cited by Ambry Genetics); PubMed 9230192 (cited by 5 submitters); PubMed 7835899 (cited by 3 submitters); PubMed 20301434 (cited by Institute for Genomic Medicine (IGM) Clinical Laboratory, Nationwide Children's Hospital); PubMed 20080836 (cited by Department of Pathology and Laboratory Medicine, Sinai Health System); PubMed 24716929 (cited by 3 submitters); PubMed 25810047 (cited by 3 submitters); PubMed 26732158 (cited by 5 submitters); PubMed 29197744 (cited by Department of Pathology and Laboratory Medicine, Sinai Health System); PubMed 33827484 (cited by 4 submitters); PubMed 34439168 (cited by 4 submitters); PubMed 35627249 (cited by Department of Pathology and Laboratory Medicine, Sinai Health System and Mayo Clinic Laboratories, Mayo Clinic); PubMed 21834681 (cited by Department of Pathology and Laboratory Medicine, Sinai Health System and Myriad Genetics, Inc.); PubMed 33219105 (cited by Mayo Clinic Laboratories, Mayo Clinic); PubMed 9950371 (cited by 3 submitters); PubMed 20801952 (cited by 3 submitters); PubMed 12746565 (cited by 3 submitters); PubMed 37529773 (cited by Athena Diagnostics and Quest Diagnostics Nichols Institute San Juan Capistrano); PubMed 36780067 (cited by Athena Diagnostics and Quest Diagnostics Nichols Institute San Juan Capistrano); PubMed 7860065 (cited by 3 submitters); PubMed 16868135 (cited by 3 submitters); PubMed 7907913 (cited by 3 submitters); PubMed 17188172 (cited by Myriad Genetics, Inc.); PubMed 9699127 (cited by Women's Health and Genetics/Laboratory Corporation of America, LabCorp); PubMed 16099853 (cited by Counsyl); PubMed 3078962 (cited by OMIM); PubMed 7914213 (cited by OMIM).